The following is an entry in ClinVar:

ClinVar aggregate classification (germline): Uncertain significance (1 of 4 stars; one submission).

Allele frequency attached by ClinVar (database versions not stated): TOPMed below 0.00001.

Submission:

GeneDx
Classification: Uncertain significance. Last evaluated: 2023-02-10. Review status: criteria provided, single submitter. Criteria: GeneDx Variant Classification Process June 2021. Collection method: clinical testing. Allele origin: germline. Affected: yes.
Comment: Has not been previously published as pathogenic or benign to our knowledge; Not observed at significant frequency in large population cohorts (gnomAD); In-frame insertion of 1 amino acid in a non-repeat region

NM_004612.4(TGFBR1):c.50_52dup (p.Leu17_Ala18insVal)

Gene: TGFBR1 (transforming growth factor beta receptor 1; plus strand). Cytogenetic location: 9q22.33.
Variant type: Duplication.
Coding change: c.50_52dup on transcript NM_004612.4 (MANE Select); coding-DNA positions 50 to 52, 3 bases duplicated (TGG; older notation c.50_52dupTGG).
Protein change: p.Leu17_Ala18insVal.
Molecular consequence: inframe insertion. On other transcripts: 5 prime UTR variant (5), non-coding transcript variant (4), intron variant (8).
Genome position (GRCh38, 1-based): chr9:99,105,255-99,105,257, TGG duplicated. VCF-style (leftmost placement, unchanged base first): chr9-99105254-C-CTGG. GRCh37 (hg19) VCF-style: chr9-101867536-C-CTGG.
Other names: c.50_52dup, p.Leu17_Ala18insVal (NM_001306210.2, NM_001407416.1, NM_001130916.3 and 5 more transcripts); c.-294_-292dup (NM_001407420.1, NM_001407429.1); c.-263_-261dup (NM_001407422.1, NM_001407426.1); c.-218_-216dup (NM_001407428.1); c.-111+1514_-111+1516dup (NM_001407418.1, NM_001407423.1); c.-111+1149_-111+1151dup (NM_001407424.1); c.-111+736_-111+738dup (NM_001407425.1); c.-111+529_-111+531dup (NM_001407434.1); and 2 more.
Identifiers: ClinVar variation 2575618 (VCV002575618.1), dbSNP rs1826371785, ClinGen allele CA1867207571.